The following is an entry in ClinVar:

ClinVar aggregate classification (germline): Uncertain significance (1 of 4 stars; one submission).

Conditions:
Hereditary cancer-predisposing syndrome. Also called: Neoplastic Syndromes, Hereditary; Tumor predisposition; Hereditary neoplastic syndrome; Hereditary Cancer Syndrome. Identifiers: Orphanet 140162, MedGen C0027672, MeSH D009386, MONDO:0015356.

Submission:

Ambry Genetics
Classification: Uncertain significance for Hereditary cancer-predisposing syndrome. Last evaluated: 2022-12-23. Review status: criteria provided, single submitter. Criteria: Ambry Variant Classification Scheme 2023. Collection method: clinical testing. Allele origin: germline.
Comment: The p.V449L variant (also known as c.1345G>C), located in coding exon 13 of the FANCC gene, results from a G to C substitution at nucleotide position 1345. The valine at codon 449 is replaced by leucine, an amino acid with highly similar properties. This amino acid position is conserved. In addition, this alteration is predicted to be tolerated by in silico analysis. Since supporting evidence is limited at this time, the clinical significance of this alteration remains unclear.

NM_000136.3(FANCC):c.1345G>C (p.Val449Leu)

Genes: FANCC (FA complementation group C; minus strand), AOPEP (aminopeptidase O (putative); plus strand). Cytogenetic location: 9q22.32.
Variant type: single nucleotide variant.
Coding change: c.1345G>C on transcript NM_000136.3 (MANE Select); coding-DNA position 1345, G replaced by C.
Protein change: p.Val449Leu; replaces valine 449 with leucine.
Molecular consequence: missense variant.
Genome position (GRCh38, 1-based): chr9:95,107,254, C>G on the plus strand (G>C on the coding strand, the complement: FANCC is on the minus strand). VCF-style: chr9-95107254-C-G. GRCh37 (hg19) VCF-style: chr9-97869536-C-G.
Other names: c.1345G>C, p.Val449Leu (NM_001243743.2); short protein forms V449L.
Identifiers: ClinVar variation 2450923 (VCV002450923.2), dbSNP rs1800367, ClinGen allele CA374106264.